The following is an entry in ClinVar:

NM_001042492.3(NF1):c.7004C>A (p.Thr2335Asn)

Gene: NF1 (neurofibromin 1; plus strand). Cytogenetic location: 17q11.2.
Variant type: single nucleotide variant.
Coding change: c.7004C>A on transcript NM_001042492.3 (MANE Select); coding-DNA position 7004, C replaced by A.
Protein change: p.Thr2335Asn; replaces threonine 2335 with asparagine.
Molecular consequence: missense variant.
Genome position (GRCh38, 1-based): chr17:31,340,587, C>A. VCF-style: chr17-31340587-C-A. GRCh37 (hg19) VCF-style: chr17-29667605-C-A.
Other names: c.6941C>A, p.Thr2314Asn (NM_000267.4); short protein forms T2314N, T2335N.
Identifiers: ClinVar variation 2699726 (VCV002699726.3), dbSNP rs2151561796, ClinGen allele CA399015016.

ClinVar aggregate classification (germline): Uncertain significance (1 of 4 stars; one submission).

Conditions:
Neurofibromatosis, type 1 (NF1). Also called: Peripheral type neurofibromatosis; VON RECKLINGHAUSEN DISEASE; Neurofibromatosis, type I; NEUROFIBROMATOSIS, TYPE I, SOMATIC. Identifiers: Orphanet 636, MedGen C0027831, MONDO:0018975, OMIM 162200. Disease mechanism: loss of function.

Submission:

Labcorp Genetics (formerly Invitae), Labcorp
Classification: Uncertain significance for Neurofibromatosis, type 1. Last evaluated: 2023-11-29. Review status: criteria provided, single submitter. Criteria: Invitae Variant Classification Sherloc (09022015). Collection method: clinical testing. Allele origin: germline.
Comment: This sequence change replaces threonine, which is neutral and polar, with asparagine, which is neutral and polar, at codon 2314 of the NF1 protein (p.Thr2314Asn). This variant is not present in population databases (gnomAD no frequency). This variant has not been reported in the literature in individuals affected with NF1-related conditions. Advanced modeling of protein sequence and biophysical properties (such as structural, functional, and spatial information, amino acid conservation, physicochemical variation, residue mobility, and thermodynamic stability) has been performed at Invitae for this missense variant, however the output from this modeling did not meet the statistical confidence thresholds required to predict the impact of this variant on NF1 protein function. In summary, the available evidence is currently insufficient to determine the role of this variant in disease. Therefore, it has been classified as a Variant of Uncertain Significance.